The following is an entry in ClinVar:

ClinVar aggregate classification (germline): Uncertain significance (1 of 4 stars; one submission).

Conditions:
2-aminoadipic 2-oxoadipic aciduria (AAKAD). Also called: Aminoadipic aciduria; ALPHA-AMINOADIPIC AND ALPHA-KETOADIPIC ACIDURIA. Identifiers: Orphanet 79154, MedGen C1859817, MONDO:0008774, OMIM 204750.

Allele frequency attached by ClinVar (database versions not stated): gnomAD exomes below 0.00001 and 0.00001; TOPMed below 0.00001.
gnomAD v4.1: 3 of 1,614,012 alleles (0.00019%); highest among the groups gnomAD compares: Non-Finnish European, 0.00025%; no homozygotes.

Submission:

Labcorp Genetics (formerly Invitae), Labcorp
Classification: Uncertain significance for 2-aminoadipic 2-oxoadipic aciduria. Last evaluated: 2021-08-16. Review status: criteria provided, single submitter. Criteria: Invitae Variant Classification Sherloc (09022015). Collection method: clinical testing. Allele origin: germline.
Comment: In summary, the available evidence is currently insufficient to determine the role of this variant in disease. Therefore, it has been classified as a Variant of Uncertain Significance. Algorithms developed to predict the effect of missense changes on protein structure and function are either unavailable or do not agree on the potential impact of this missense change (SIFT: "Tolerated"; PolyPhen-2: "Possibly Damaging"; Align-GVGD: "Class C0"). This variant has not been reported in the literature in individuals affected with DHTKD1-related conditions. This variant is not present in population databases (ExAC no frequency). This sequence change replaces histidine with tyrosine at codon 622 of the DHTKD1 protein (p.His622Tyr). The histidine residue is moderately conserved and there is a moderate physicochemical difference between histidine and tyrosine.

NM_018706.7(DHTKD1):c.1864C>T (p.His622Tyr)

Gene: DHTKD1 (dehydrogenase E1 and transketolase domain containing 1; plus strand). Cytogenetic location: 10p14.
Variant type: single nucleotide variant.
Coding change: c.1864C>T on transcript NM_018706.7 (MANE Select); coding-DNA position 1864, C replaced by T.
Protein change: p.His622Tyr; replaces histidine 622 with tyrosine.
Molecular consequence: missense variant.
Genome position (GRCh38, 1-based): chr10:12,101,149, C>T. VCF-style: chr10-12101149-C-T. GRCh37 (hg19) VCF-style: chr10-12143148-C-T.
Other names: short protein forms H622Y.
Identifiers: ClinVar variation 1406162 (VCV001406162.6), dbSNP rs1462585733, ClinGen allele CA376022754.
Genomic context (GRCh38, chr10:12,101,149, plus strand): 5'-AGTCAGAGGCATGCAATCGTGGTTTGCCAGGAGACGGATGACACCTACATCCCCCTGAAC[C>T]ATATGGACCCAAATCAGAAGGGGTTTCTAGAGGTGAGATGTTTCTATAGCTGTTGTAAAA-3'
Protein context (NP_061176.4, residues 612-632): ETDDTYIPLN[His622Tyr]MDPNQKGFLE